The following is an entry in ClinVar:

ClinVar aggregate classification (germline): Likely pathogenic (1 of 4 stars; one submission).

Submission:

Quest Diagnostics Nichols Institute San Juan Capistrano
Classification: Likely pathogenic. Last evaluated: 2025-02-26. Review status: criteria provided, single submitter. Criteria: Quest Diagnostics criteria. Collection method: clinical testing. Allele origin: unknown.
Comment: The RAD51D c.218_219del (p.Glu73Glyfs*17) variant alters the translational reading frame of the RAD51D mRNA and is predicted to cause the premature termination of RAD51D protein synthesis. This variant has not been reported in individuals with RAD51D-related conditions in the published literature. This variant has not been reported in large, multi-ethnic general populations (Genome Aggregation Database). Based on the available information, this variant is classified as likely pathogenic.

NM_002878.4(RAD51D):c.218_219del (p.Glu73fs)

Genes: RAD51L3-RFFL (RAD51L3-RFFL readthrough; minus strand), RAD51D (RAD51 paralog D; minus strand). Cytogenetic location: 17q12.
Variant type: Deletion.
Coding change: c.218_219del on transcript NM_002878.4 (MANE Select); coding-DNA positions 218 to 219, 2 bases deleted (AG; older notation c.218_219delAG).
Protein change: p.Glu73fs; shifts the reading frame from glutamic acid 73.
Molecular consequence: frameshift variant. On other transcripts: intron variant (2).
Genome position (GRCh38, 1-based): chr17:35,118,545-35,118,546, CT deleted on the plus strand (AG on the coding strand, the reverse complement: RAD51D is on the minus strand); deleting any 2 consecutive bases within chr17:35,118,545-35,118,547 gives the same sequence; the c. name uses the placement nearest the transcript's 3' end. VCF-style (leftmost placement, unchanged base first): chr17-35118544-CCT-C. GRCh37 (hg19) VCF-style: chr17-33445563-CCT-C.
Other names: c.217_218delGA, p.Glu73Glyfs (NM_002878.3); c.144+565_144+566del (NM_133629.3, NM_001142571.2); short protein forms E73fs.
Identifiers: ClinVar variation 4533056 (VCV004533056.1).